The following is an entry in ClinVar:

NM_016169.4(SUFU):c.1041G>A (p.Leu347=)

Gene: SUFU (SUFU negative regulator of hedgehog signaling; plus strand). Cytogenetic location: 10q24.32.
Variant type: single nucleotide variant.
Coding change: c.1041G>A on transcript NM_016169.4 (MANE Select); coding-DNA position 1041, G replaced by A.
Protein change: p.Leu347=; no amino-acid change (leucine 347 retained).
Molecular consequence: synonymous variant.
Genome position (GRCh38, 1-based): chr10:102,615,286, G>A. VCF-style: chr10-102615286-G-A. GRCh37 (hg19) VCF-style: chr10-104375043-G-A.
Other names: c.1041G>A, p.Leu347= (NM_001178133.2).
Identifiers: ClinVar variation 4533115 (VCV004533115.1).

ClinVar aggregate classification (germline): Uncertain significance (1 of 4 stars; one submission).

gnomAD v4.1: 1 of 1,614,154 alleles (0.000062%); highest among the groups gnomAD compares: Middle Eastern, 0.016%; no homozygotes.

Submission:

Quest Diagnostics Nichols Institute San Juan Capistrano
Classification: Uncertain significance. Last evaluated: 2025-03-08. Review status: criteria provided, single submitter. Criteria: Quest Diagnostics criteria. Collection method: clinical testing. Allele origin: unknown.
Comment: The SUFU c.1041G>A (p.Leu347=) synonymous variant has not been reported in individuals with SUFU-related conditions in the published literature. It also has not been reported in large, multi-ethnic general populations (Genome Aggregation Database). Analysis of this variant using software algorithms for the prediction of the effect of nucleotide changes on splicing yielded predictions that this variant does not affect SUFU mRNA splicing. Based on the available information, we are unable to determine the clinical significance of this variant.